The following is an entry in ClinVar:

ClinVar aggregate classification (germline): Likely pathogenic (1 of 4 stars; one submission).

Conditions:
Diffuse cerebral and cerebellar atrophy - intractable seizures - progressive microcephaly syndrome. Also called: Microcephaly, progressive, with seizures and cerebral and cerebellar atrophy. Identifiers: Orphanet 404437, MedGen C4014239, MONDO:0014335, OMIM 615760.

Submission:

Juno Genomics, Hangzhou Juno Genomics, Inc
Classification: Likely pathogenic for Diffuse cerebral and cerebellar atrophy - intractable seizures - progressive microcephaly syndrome. Review status: criteria provided, single submitter. Criteria: ACMG Guidelines, 2015. Collection method: clinical testing. Allele origin: germline.
Comment: Null variant in a gene where loss of function (LOF) is a known mechanism of disease.;Absent from controls (or at extremely low frequency if recessive) in Genome Aggregation Database.

NM_005051.3(QARS1):c.1584_1587del (p.Pro529fs)

Gene: QARS1 (glutaminyl-tRNA synthetase 1; minus strand). Cytogenetic location: 3p21.31.
Variant type: Deletion.
Coding change: c.1584_1587del on transcript NM_005051.3 (MANE Select); coding-DNA positions 1584 to 1587, 4 bases deleted (ACCT; older notation c.1584_1587delACCT).
Protein change: p.Pro529fs; shifts the reading frame from proline 529.
Molecular consequence: frameshift variant. On other transcripts: non-coding transcript variant (1).
Genome position (GRCh38, 1-based): chr3:49,099,371-49,099,374, AGGT deleted on the plus strand (ACCT on the coding strand, the reverse complement: QARS1 is on the minus strand). VCF-style (leftmost placement, unchanged base first): chr3-49099370-CAGGT-C. GRCh37 (hg19) VCF-style: chr3-49136803-CAGGT-C.
Other names: c.1551_1554del, p.Pro518fs (NM_001272073.2); short protein forms P529fs, P518fs.
Identifiers: ClinVar variation 5006645 (VCV005006645.2).